The following is an entry in ClinVar:

ClinVar aggregate classification (germline): Uncertain significance (1 of 4 stars; one submission).

Conditions:
Loeys-Dietz syndrome 2 (LDS2). Also called: AORTIC ANEURYSM, FAMILIAL THORACIC 3; MARFAN SYNDROME, TYPE II; Marfan syndrome, type 2 (formerly); TGFBR2-Related Loeys-Dietz Syndrome; Marfan Syndrome type 2; Marfan like connective tissue disorder. Identifiers: Orphanet 284973, Orphanet 558, MedGen C2674574, MONDO:0012427, OMIM 610168.

Allele frequency attached by ClinVar (database versions not stated): gnomAD exomes below 0.00001; TOPMed 0.00001.

Submission:

Labcorp Genetics (formerly Invitae), Labcorp
Classification: Uncertain significance for Loeys-Dietz syndrome 2. Last evaluated: 2022-08-22. Review status: criteria provided, single submitter. Criteria: Invitae Variant Classification Sherloc (09022015). Collection method: clinical testing. Allele origin: germline.
Comment: In summary, the available evidence is currently insufficient to determine the role of this variant in disease. Therefore, it has been classified as a Variant of Uncertain Significance. Experimental studies and prediction algorithms are not available or were not evaluated, and the functional significance of this variant is currently unknown. This variant has not been reported in the literature in individuals affected with TMPO-related conditions. This variant is present in population databases (no rsID available, gnomAD 0.0009%). This sequence change creates a premature translational stop signal (p.Asp285Ilefs*4) in the TMPO gene. While this is not anticipated to result in nonsense mediated decay, it is expected to disrupt the last 410 amino acid(s) of the TMPO protein.

NM_001032283.3(TMPO):c.565+1272del

Gene: TMPO (thymopoietin; plus strand). Cytogenetic location: 12q23.1.
Variant type: Deletion.
Coding change: c.565+1272del on transcript NM_001032283.3 (MANE Select); 1272 bases into the intron after coding-DNA position 565, one base deleted (G; older notation c.565+1272delG).
Molecular consequence: intron variant. On other transcripts: frameshift variant (1).
Genome position (GRCh38, 1-based): chr12:98,533,110, G deleted. VCF-style (leftmost placement, unchanged base first): chr12-98533109-TG-T. GRCh37 (hg19) VCF-style: chr12-98926887-TG-T.
Other names: c.853del, p.Asp285fs (NM_003276.2); c.565+1272del (NM_001307975.2, NM_001032284.3); short protein forms D285fs.
Identifiers: ClinVar variation 2157371 (VCV002157371.4), dbSNP rs868100288, ClinGen allele CA242224374.